The following is an entry in ClinVar:

ClinVar aggregate classification (germline): Uncertain significance. Review status: criteria provided, multiple submitters, no conflicts (2 of 4 stars). 2 submissions from 2 submitters: Uncertain significance (2). Last evaluated 2024-05-10.

Conditions:
Congenital myasthenic syndrome 8. Also called: MYASTHENIC SYNDROME, CONGENITAL, DUE TO AGRIN DEFICIENCY; Myasthenic syndrome, congenital, 8, with pre- and postsynaptic defects. Identifiers: Orphanet 590, MedGen C3808739, MONDO:0014052, OMIM 615120.
Inborn genetic diseases. Identifiers: MedGen C0950123, MeSH D030342.

Allele frequency attached by ClinVar (database versions not stated): gnomAD exomes below 0.00001 and 0.00001; gnomAD 0.00001; TOPMed 0.00001.
gnomAD v4.1: 6 of 1,612,132 alleles (0.00037%); highest among the groups gnomAD compares: Non-Finnish European, 0.00051%; no homozygotes.

Submissions (2):

Ambry Genetics
Classification: Uncertain significance for Inborn genetic diseases. Last evaluated: 2024-05-10. Review status: criteria provided, single submitter. Criteria: Ambry Variant Classification Scheme 2023. Collection method: clinical testing. Allele origin: germline.

Labcorp Genetics (formerly Invitae), Labcorp
Classification: Uncertain significance for Congenital myasthenic syndrome 8. Last evaluated: 2024-02-20. Review status: criteria provided, single submitter. Criteria: Invitae Variant Classification Sherloc (09022015). Collection method: clinical testing. Allele origin: germline.
Comment: This sequence change replaces proline, which is neutral and non-polar, with leucine, which is neutral and non-polar, at codon 1602 of the AGRN protein (p.Pro1602Leu). This variant is present in population databases (no rsID available, gnomAD 0.002%). This variant has not been reported in the literature in individuals affected with AGRN-related conditions. ClinVar contains an entry for this variant (Variation ID: 1018399). An algorithm developed to predict the effect of missense changes on protein structure and function (PolyPhen-2) suggests that this variant is likely to be tolerated. In summary, the available evidence is currently insufficient to determine the role of this variant in disease. Therefore, it has been classified as a Variant of Uncertain Significance.

NM_198576.4(AGRN):c.4805C>T (p.Pro1602Leu)

Gene: AGRN (agrin; plus strand). Cytogenetic location: 1p36.33.
Variant type: single nucleotide variant.
Coding change: c.4805C>T on transcript NM_198576.4 (MANE Select); coding-DNA position 4805, C replaced by T.
Protein change: p.Pro1602Leu; replaces proline 1602 with leucine.
Molecular consequence: missense variant.
Genome position (GRCh38, 1-based): chr1:1,049,963, C>T. VCF-style: chr1-1049963-C-T. GRCh37 (hg19) VCF-style: chr1-985343-C-T.
Other names: c.4805C>T, p.Pro1602Leu (NM_001305275.2); c.4490C>T, p.Pro1497Leu (NM_001364727.2); c.4805C>T (NM_198576.3); short protein forms P1497L, P1602L.
Identifiers: ClinVar variation 1018399 (VCV001018399.11), dbSNP rs935763466, ClinGen allele CA16700801.